The following is an entry in ClinVar:

NM_002516.4(NOVA2):c.10G>A (p.Glu4Lys)

Gene: NOVA2 (NOVA alternative splicing regulator 2; minus strand). Cytogenetic location: 19q13.32.
Variant type: single nucleotide variant.
Coding change: c.10G>A on transcript NM_002516.4 (MANE Select); coding-DNA position 10, G replaced by A.
Protein change: p.Glu4Lys; replaces glutamic acid 4 with lysine.
Molecular consequence: missense variant.
Genome position (GRCh38, 1-based): chr19:45,973,342, C>T on the plus strand (G>A on the coding strand, the complement: NOVA2 is on the minus strand). VCF-style: chr19-45973342-C-T. GRCh37 (hg19) VCF-style: chr19-46476600-C-T.
Other names: short protein forms E4K.
Identifiers: ClinVar variation 3370885 (VCV003370885.1).

ClinVar aggregate classification (germline): Uncertain significance (1 of 4 stars; one submission).

gnomAD v4.1: 1 of 1,226,586 alleles (0.000082%); no homozygotes.

Submission:

GeneDx
Classification: Uncertain significance. Last evaluated: 2024-03-13. Review status: criteria provided, single submitter. Criteria: GeneDx Variant Classification Process June 2021. Collection method: clinical testing. Allele origin: germline. Affected: yes.
Comment: Not observed at significant frequency in large population cohorts (gnomAD); In silico analysis supports that this missense variant does not alter protein structure/function; Has not been previously published as pathogenic or benign to our knowledge